The following is an entry in ClinVar:

NM_001369.3(DNAH5):c.13332G>A (p.Trp4444Ter)

Gene: DNAH5 (dynein axonemal heavy chain 5; minus strand). Cytogenetic location: 5p15.2.
Variant type: single nucleotide variant.
Coding change: c.13332G>A on transcript NM_001369.3 (MANE Select); coding-DNA position 13332, G replaced by A.
Protein change: p.Trp4444Ter; replaces tryptophan 4444 with a stop codon.
Molecular consequence: nonsense.
Genome position (GRCh38, 1-based): chr5:13,708,129, C>T on the plus strand (G>A on the coding strand, the complement: DNAH5 is on the minus strand). VCF-style: chr5-13708129-C-T. GRCh37 (hg19) VCF-style: chr5-13708238-C-T.
Other names: short protein forms W4444*.
Identifiers: ClinVar variation 1770191 (VCV001770191.3), dbSNP rs2546486911, ClinGen allele CA359196285.
Genomic context (GRCh38, chr5:13,708,129, plus strand): 5'-CAACTCTTCACAATCATAAGTGAACAGGCAGAATAACAGCAGGCTTATACGTACTTTTTT[C>T]CACCAAGCAGGGATTCTAGCATCAAACATGCAATCCAATGCATCTCGCAGATTTTCGCTC-3'

ClinVar aggregate classification (germline): Pathogenic. Review status: criteria provided, multiple submitters, no conflicts (2 of 4 stars). 2 submissions from 2 submitters: Pathogenic (2). Last evaluated 2024-05-08.

Conditions:
Primary ciliary dyskinesia 3. Identifiers: Orphanet 244, MedGen C1837618, MONDO:0012085, OMIM 608644.
Primary ciliary dyskinesia. Also called: Ciliary dyskinesia. Identifiers: Orphanet 244, MedGen C0008780, MONDO:0016575, HP:0012265.

Submissions (2):

Myriad Genetics, Inc.
Classification: Pathogenic for Primary ciliary dyskinesia 3. Last evaluated: 2024-05-08. Review status: criteria provided, single submitter. Criteria: Myriad Autosomal Dominant, Autosomal Recessive and X-Linked Classification Criteria (2023). Collection method: clinical testing. Allele origin: unknown.
Comment: NM_001369.2(DNAH5):c.13332G>A(W4444*) is expected to be pathogenic in the context of primary ciliary dyskinesia, DNAH5-related. This variant is predicted to lead to an abnormal or absent protein product due to the creation of a premature termination codon in DNAH5, a gene where loss-of-function variants are known to be pathogenic. Please note: this variant was assessed in the context of healthy population screening.

Ambry Genetics
Classification: Pathogenic for Primary ciliary dyskinesia. Last evaluated: 2014-08-26. Review status: criteria provided, single submitter. Criteria: Ambry Variant Classification Scheme 2023. Collection method: clinical testing. Allele origin: germline.
Comment: The p.W4444* pathogenic mutation (also known as c.13332G>A) located in coding exon 76 of the DNAH5 gene, results from a G to A substitution at nucleotide position 13332. This changes the amino acid from a tryptophan to a stop codon within coding exon 76. Since premature stop codons are typically deleterious in nature, this alteration is interpreted as a disease-causing mutation (ACMG Recommendations for Standards for Interpretation and Reporting of Sequence Variations. Revision 2007. Genet Med. 2008;10:294).